The following is an entry in ClinVar:

NM_025099.6(CTC1):c.2775G>T (p.Met925Ile)

Gene: CTC1 (CST telomere replication complex component 1; minus strand). Cytogenetic location: 17p13.1.
Variant type: single nucleotide variant.
Coding change: c.2775G>T on transcript NM_025099.6 (MANE Select); coding-DNA position 2775, G replaced by T.
Protein change: p.Met925Ile; replaces methionine 925 with isoleucine.
Molecular consequence: missense variant. On other transcripts: non-coding transcript variant (1).
Genome position (GRCh38, 1-based): chr17:8,230,452, C>A on the plus strand (G>T on the coding strand, the complement: CTC1 is on the minus strand). VCF-style: chr17-8230452-C-A. GRCh37 (hg19) VCF-style: chr17-8133770-C-A.
Other names: short protein forms M925I.
Identifiers: ClinVar variation 1493800 (VCV001493800.8), dbSNP rs2151504059, ClinGen allele CA397974427.

ClinVar aggregate classification (germline): Uncertain significance (1 of 4 stars; one submission).

Conditions:
Dyskeratosis congenita. Identifiers: Orphanet 1775, MedGen C0265965, MONDO:0015780.

Submission:

Labcorp Genetics (formerly Invitae), Labcorp
Classification: Uncertain significance for Dyskeratosis congenita. Last evaluated: 2022-11-22. Review status: criteria provided, single submitter. Criteria: Invitae Variant Classification Sherloc (09022015). Collection method: clinical testing. Allele origin: germline.
Comment: This sequence change replaces methionine, which is neutral and non-polar, with isoleucine, which is neutral and non-polar, at codon 925 of the CTC1 protein (p.Met925Ile). This variant is not present in population databases (gnomAD no frequency). This variant has not been reported in the literature in individuals affected with CTC1-related conditions. ClinVar contains an entry for this variant (Variation ID: 1493800). Advanced modeling of protein sequence and biophysical properties (such as structural, functional, and spatial information, amino acid conservation, physicochemical variation, residue mobility, and thermodynamic stability) performed at Invitae indicates that this missense variant is not expected to disrupt CTC1 protein function. In summary, the available evidence is currently insufficient to determine the role of this variant in disease. Therefore, it has been classified as a Variant of Uncertain Significance.